The following is an entry in ClinVar:

NM_007118.4(TRIO):c.6577C>T (p.Gln2193Ter)

Gene: TRIO (trio Rho guanine nucleotide exchange factor; plus strand). Cytogenetic location: 5p15.2.
Variant type: single nucleotide variant.
Coding change: c.6577C>T on transcript NM_007118.4 (MANE Select); coding-DNA position 6577, C replaced by T.
Protein change: p.Gln2193Ter; replaces glutamine 2193 with a stop codon.
Molecular consequence: nonsense. On other transcripts: non-coding transcript variant (1).
Genome position (GRCh38, 1-based): chr5:14,482,693, C>T. VCF-style: chr5-14482693-C-T. GRCh37 (hg19) VCF-style: chr5-14482802-C-T.
Other names: short protein forms Q2193*.
Identifiers: ClinVar variation 4537921 (VCV004537921.2).

ClinVar aggregate classification (germline): Pathogenic (1 of 4 stars; one submission).

Submission:

GeneDx
Classification: Pathogenic. Last evaluated: 2025-06-04. Review status: criteria provided, single submitter. Criteria: GeneDx Variant Classification Process June 2021. Collection method: clinical testing. Allele origin: germline. Affected: yes.
Comment: Nonsense variant predicted to result in protein truncation or nonsense mediated decay in a gene for which loss of function is a known mechanism of disease; Not observed at significant frequency in large population cohorts (gnomAD); Has not been previously published as pathogenic or benign to our knowledge